The following is an entry in ClinVar:

ClinVar aggregate classification (germline): Benign/Likely benign. Review status: criteria provided, multiple submitters, no conflicts (2 of 4 stars). 3 submissions from 3 submitters: Benign (1); Likely benign (1). 1 of the submissions does not count toward it. Last evaluated 2022-11-23.

Conditions:
Parietal foramina 2 (PFM2). Identifiers: Orphanet 60015, MedGen C1865044, MONDO:0012309, OMIM 609597.
ALX4-related disorder. Also called: ALX4-related condition.

Allele frequency attached by ClinVar (database versions not stated): gnomAD 0.00006; gnomAD exomes 0.00012 and 0.00061; TOPMed 0.00028; ExAC 0.00053.
gnomAD v4.1: 182 of 1,613,018 alleles (0.011%); highest among the groups gnomAD compares: Admixed American, 0.29%; no homozygotes.

Submissions (3):

Labcorp Genetics (formerly Invitae), Labcorp
Classification: Likely benign. Last evaluated: 2022-11-23. Review status: criteria provided, single submitter. Criteria: Invitae Variant Classification Sherloc (09022015). Collection method: clinical testing. Allele origin: germline.

Illumina Laboratory Services, Illumina
Classification: Benign for Parietal foramina 2. Last evaluated: 2018-01-12. Review status: criteria provided, single submitter. Criteria: ICSL Variant Classification Criteria 13 December 2019. Collection method: clinical testing. Allele origin: germline.
Comment: This variant was observed in the ICSL laboratory as part of a predisposition screen in an ostensibly healthy population. It had not been previously curated by ICSL or reported in the Human Gene Mutation Database (HGMD: prior to June 1st, 2018), and was therefore a candidate for classification through an automated scoring system. Utilizing variant allele frequency, disease prevalence and penetrance estimates, and inheritance mode, an automated score was calculated to assess if this variant is too frequent to cause the disease. Based on the score and internal cut-off values, a variant classified as benign is not then subjected to further curation. The score for this variant resulted in a classification of benign for this disease.

PreventionGenetics, part of Exact Sciences
Classification: Likely benign for ALX4-related condition. Last evaluated: 2022-02-16. Review status: no assertion criteria provided. Collection method: clinical testing. Allele origin: germline. Not counted in ClinVar's aggregate classification.
Comment: This variant is classified as likely benign based on ACMG/AMP sequence variant interpretation guidelines (Richards et al. 2015 PMID: 25741868, with internal and published modifications).

NM_021926.4(ALX4):c.1106G>A (p.Gly369Glu)

Gene: ALX4 (ALX homeobox 4; minus strand). Cytogenetic location: 11p11.2.
Variant type: single nucleotide variant.
Coding change: c.1106G>A on transcript NM_021926.4 (MANE Select); coding-DNA position 1106, G replaced by A.
Protein change: p.Gly369Glu; replaces glycine 369 with glutamic acid.
Molecular consequence: missense variant.
Genome position (GRCh38, 1-based): chr11:44,264,984, C>T on the plus strand (G>A on the coding strand, the complement: ALX4 is on the minus strand). VCF-style: chr11-44264984-C-T. GRCh37 (hg19) VCF-style: chr11-44286534-C-T.
Other names: short protein forms G369E.
Identifiers: ClinVar variation 778420 (VCV000778420.12), dbSNP rs750221052, ClinGen allele CA5955526.
Genomic context (GRCh38, chr11:44,264,984, plus strand): 5'-TTGCGGTCCGGCTCGCCGTTGAGCTCGTAGCCATTGAGGCCTGGGCTGAGGCTGGCTGCT[C>T]CAAACAGGCTGCCCATGTGCGTCTGGCCCACGTGACTGCCAGCCCCAGACACACTCAGGA-3'
Protein context (NP_068745.2, residues 359-379): VGQTHMGSLF[Gly369Glu]AASLSPGLNG